The following is an entry in ClinVar:

NM_153717.3(EVC):c.2783-11G>A

Gene: EVC (EvC ciliary complex subunit 1; plus strand). Cytogenetic location: 4p16.2.
Variant type: single nucleotide variant.
Coding change: c.2783-11G>A on transcript NM_153717.3 (MANE Select); 11 bases into the intron before coding-DNA position 2783, G replaced by A.
Molecular consequence: intron variant.
Genome position (GRCh38, 1-based): chr4:5,810,328, G>A. VCF-style: chr4-5810328-G-A. GRCh37 (hg19) VCF-style: chr4-5812055-G-A.
Other names: c.2783-11G>A (NM_001306090.2).
Identifiers: ClinVar variation 2948280 (VCV002948280.5), dbSNP rs1237999856, ClinGen allele CA549408988.

ClinVar aggregate classification (germline): Conflicting classifications of pathogenicity. Review status: criteria provided, conflicting classifications (1 of 4 stars). 3 submissions from 3 submitters: Uncertain significance (1); Likely benign (2). Last evaluated 2025-07-14.

Conditions:
Curry-Hall syndrome (WAD). Also called: WEYERS ACRODENTAL DYSOSTOSIS. Identifiers: Orphanet 952, MedGen C0457013, MONDO:0008673, OMIM 193530.
Ellis-van Creveld syndrome (EVC). Also called: Chondroectodermal dysplasia; MESOECTODERMAL DYSPLASIA. Identifiers: Orphanet 289, MedGen C0013903, MONDO:0009162, OMIM 225500.

Allele frequency attached by ClinVar (database versions not stated): TOPMed 0.00002.
gnomAD v4.1: 3 of 1,606,690 alleles (0.00019%); highest among the groups gnomAD compares: Admixed American, 0.0017%; no homozygotes.

Submissions (3):

GeneDx
Classification: Uncertain significance. Last evaluated: 2025-07-14. Review status: criteria provided, single submitter. Criteria: GeneDx Variant Classification Process June 2021. Collection method: clinical testing. Allele origin: germline. Affected: yes.
Comment: Not observed at significant frequency in large population cohorts (gnomAD); In silico analysis suggests that this variant does not alter splicing; Has not been previously published as pathogenic or benign to our knowledge

Labcorp Genetics (formerly Invitae), Labcorp
Classification: Likely benign for Curry-Hall syndrome; Ellis-van Creveld syndrome. Last evaluated: 2023-11-01. Review status: criteria provided, single submitter. Criteria: Invitae Variant Classification Sherloc (09022015). Collection method: clinical testing. Allele origin: germline.

Blueprint Genetics
Classification: Likely benign. Last evaluated: 2023-01-19. Review status: criteria provided, single submitter. Criteria: ACMG Guidelines, 2015. Collection method: clinical testing. Allele origin: germline.